The following is an entry in ClinVar:

NM_001160372.4(TRAPPC9):c.-4C>A

Gene: TRAPPC9 (trafficking protein particle complex subunit 9; minus strand). Cytogenetic location: 8q24.3.
Variant type: single nucleotide variant.
Coding change: c.-4C>A on transcript NM_001160372.4 (MANE Select); 4 bases upstream of the start codon, C replaced by A.
Molecular consequence: 5 prime UTR variant. On other transcripts: non-coding transcript variant (1).
Genome position (GRCh38, 1-based): chr8:140,451,377, G>T on the plus strand (C>A on the coding strand, the complement: TRAPPC9 is on the minus strand). VCF-style: chr8-140451377-G-T. GRCh37 (hg19) VCF-style: chr8-141461476-G-T.
Other names: c.-4C>A (NM_001321646.2, NM_001374682.1, NM_001374683.1 and 2 more transcripts).
Identifiers: ClinVar variation 1314187 (VCV001314187.5), dbSNP rs1284713164, ClinGen allele CA372320225.
Genomic context (GRCh38, chr8:140,451,377, plus strand): 5'-CACCACGAGCAGCGTCTGGTGGTCCTCAGCACACTGCATGTAGTCAGGGACGCTCATTTT[G>T]AAGTCCCTGTTCAGAGAGAAGAAATGAGGCTGTGAGACACAGAGTCCTGAGTGCTGAGAG-3'

ClinVar aggregate classification (germline): Uncertain significance. Review status: criteria provided, multiple submitters, no conflicts (2 of 4 stars). 3 submissions from 3 submitters: Uncertain significance (3). Last evaluated 2025-11-15.

Conditions:
Inborn genetic diseases. Identifiers: MedGen C0950123, MeSH D030342.

Submissions (3):

Labcorp Genetics (formerly Invitae), Labcorp
Classification: Uncertain significance. Last evaluated: 2025-11-15. Review status: criteria provided, single submitter. Criteria: Invitae Variant Classification Sherloc (09022015). Collection method: clinical testing. Allele origin: germline.
Comment: This sequence change replaces phenylalanine, which is neutral and non-polar, with leucine, which is neutral and non-polar, at codon 97 of the TRAPPC9 protein (p.Phe97Leu). This variant is not present in population databases (gnomAD no frequency). This variant has not been reported in the literature in individuals affected with TRAPPC9-related conditions. ClinVar contains an entry for this variant (Variation ID: 1314187). An algorithm developed to predict the effect of missense changes on protein structure and function outputs the following: PolyPhen-2: "Benign". The leucine amino acid residue is found in multiple mammalian species, which suggests that this missense change does not adversely affect protein function. In summary, the available evidence is currently insufficient to determine the role of this variant in disease. Therefore, it has been classified as a Variant of Uncertain Significance.

Ambry Genetics
Classification: Uncertain significance for Inborn genetic diseases. Last evaluated: 2023-06-12. Review status: criteria provided, single submitter. Criteria: Ambry Variant Classification Scheme 2023. Collection method: clinical testing. Allele origin: germline.

GeneDx
Classification: Uncertain significance. Last evaluated: 2021-03-29. Review status: criteria provided, single submitter. Criteria: GeneDx Variant Classification Process June 2021. Collection method: clinical testing. Allele origin: germline. Affected: yes.
Comment: In silico analysis supports that this missense variant does not alter protein structure/function; Has not been previously published as pathogenic or benign to our knowledge